The following is an entry in ClinVar:

NM_004336.5(BUB1):c.780T>A (p.Asn260Lys)

Gene: BUB1 (BUB1 mitotic checkpoint serine/threonine kinase; minus strand). Cytogenetic location: 2q13.
Variant type: single nucleotide variant.
Coding change: c.780T>A on transcript NM_004336.5 (MANE Select); coding-DNA position 780, T replaced by A.
Protein change: p.Asn260Lys; replaces asparagine 260 with lysine.
Molecular consequence: missense variant.
Genome position (GRCh38, 1-based): chr2:110,667,546, A>T on the plus strand (T>A on the coding strand, the complement: BUB1 is on the minus strand). VCF-style: chr2-110667546-A-T. GRCh37 (hg19) VCF-style: chr2-111425123-A-T.
Other names: c.720T>A, p.Asn240Lys (NM_001278616.2); c.780T>A, p.Asn260Lys (NM_001278617.2); short protein forms N240K, N260K.
Identifiers: ClinVar variation 1760738 (VCV001760738.2), dbSNP rs747687467, ClinGen allele CA1828255.

ClinVar aggregate classification (germline): Uncertain significance (1 of 4 stars; one submission).

Allele frequency attached by ClinVar (database versions not stated): gnomAD exomes below 0.00001; ExAC 0.00002.
gnomAD v4.1: 1 of 1,613,294 alleles (0.000062%); highest among the groups gnomAD compares: East Asian, 0.0022%; no homozygotes.

Submission:

Ambry Genetics
Classification: Uncertain significance. Last evaluated: 2022-09-01. Review status: criteria provided, single submitter. Criteria: Ambry Variant Classification Scheme 2023. Collection method: clinical testing. Allele origin: germline.
Comment: The p.N260K variant (also known as c.780T>A), located in coding exon 8 of the BUB1 gene, results from a T to A substitution at nucleotide position 780. The asparagine at codon 260 is replaced by lysine, an amino acid with similar properties. This amino acid position is conserved. In addition, this alteration is predicted to be tolerated by in silico analysis. Since supporting evidence is limited at this time, the clinical significance of this alteration remains unclear.